The following is an entry in ClinVar:

ClinVar aggregate classification (germline): Pathogenic. Review status: criteria provided, multiple submitters, no conflicts (2 of 4 stars). 5 submissions from 4 submitters: Pathogenic (3). 2 of the submissions do not count toward it. Last evaluated 2025-12-05.

Conditions:
Peripheral motor neuropathy, childhood-onset, biotin-responsive. Identifiers: MedGen C5676997, MONDO:0859255, OMIM 619903.
Neurodegeneration, infantile-onset, biotin-responsive. Also called: SODIUM-DEPENDENT MULTIVITAMIN TRANSPORTER DEFICIENCY; SMVT DEFICIENCY. Identifiers: Orphanet 521268, MedGen C5436520, MONDO:0033546, OMIM 618973.

Allele frequency attached by ClinVar (database versions not stated): gnomAD exomes 0.00001; TOPMed 0.00001; gnomAD 0.00001.
gnomAD v4.1: 9 of 1,614,056 alleles (0.00056%); highest among the groups gnomAD compares: East Asian, 0.0022%; no homozygotes.

Submissions (5):

Women's Health and Genetics/Laboratory Corporation of America, LabCorp
Classification: Pathogenic for Neurodegeneration, infantile-onset, biotin-responsive. Last evaluated: 2025-12-05. Review status: criteria provided, single submitter. Criteria: LabCorp Variant Classification Summary - May 2015. Collection method: clinical testing. Allele origin: germline.
Comment: Variant summary: SLC5A6 c.280C>T (p.Arg94X) results in a premature termination codon, predicted to cause a truncation of the encoded protein or absence of the protein due to nonsense mediated decay, which are commonly known mechanisms for disease. The variant was absent in 251330 control chromosomes. c.280C>T has been observed in individuals affected with SLC5A6-related disorder (e.g., Subramanian_2017). At least one publication reports experimental evidence evaluating an impact on protein function. Transfection studies in both HuTu-80 and U87 cells showed no induction of biotin uptake in the c.280C>T transfected cells compared to wild-type (Subramanian_2017). The following publication has been ascertained in the context of this evaluation (PMID: 27904971). ClinVar contains an entry for this variant (Variation ID: 975023). Based on the evidence outlined above, the variant was classified as pathogenic.

Variantyx, Inc.
Classification: Pathogenic for Peripheral motor neuropathy, childhood-onset, biotin-responsive. Last evaluated: 2025-03-16. Review status: criteria provided, single submitter. Criteria: Variantyx Assertion Criteria 2022. Collection method: clinical testing. Allele origin: germline.
Comment: This is a nonsense variant in the SLC5A6 gene (OMIM: 604024). Pathogenic variants in this gene have been associated with autosomal recessive childhood-onset biotin-responsive peripheral motor neuropathy. This variant introduces a premature termination codon in exon 3 out of 17. It is expected to result in loss of function, which is a known disease mechanism for SLC5A6 in this disorder (PMID: 27904971, 31754459) (PVS1). This variant has been identified in the compound heterozygous state in at least 2 individual(s) from the published literature (PMID: 35013551) (PM3). This variant has a 0.0022% maximum allele frequency in non-founder control populations (PM2_Supporting). Based on the current evidence, this variant is classified as pathogenic for autosomal recessive childhood-onset biotin-responsive peripheral motor neuropathy.

Labcorp Genetics (formerly Invitae), Labcorp
Classification: Pathogenic. Last evaluated: 2022-04-18. Review status: criteria provided, single submitter. Criteria: Invitae Variant Classification Sherloc (09022015). Collection method: clinical testing. Allele origin: germline.
Comment: For these reasons, this variant has been classified as Pathogenic. ClinVar contains an entry for this variant (Variation ID: 975023). This premature translational stop signal has been observed in individual(s) with SLC5A6-related conditions (PMID: 27904971). This variant is not present in population databases (gnomAD no frequency). This sequence change creates a premature translational stop signal (p.Arg94*) in the SLC5A6 gene. It is expected to result in an absent or disrupted protein product. Loss-of-function variants in SLC5A6 are known to be pathogenic (PMID: 27904971, 31754459).

OMIM
Classification: Pathogenic for SODIUM-DEPENDENT MULTIVITAMIN TRANSPORTER DEFICIENCY. Last evaluated: 2022-06-02. Review status: no assertion criteria provided. Collection method: literature only. Allele origin: germline. Not counted in ClinVar's aggregate classification.

OMIM
Classification: Pathogenic for PERIPHERAL MOTOR NEUROPATHY, CHILDHOOD-ONSET, BIOTIN-RESPONSIVE. Last evaluated: 2022-06-02. Review status: no assertion criteria provided. Collection method: literature only. Allele origin: germline. Not counted in ClinVar's aggregate classification.

Literature cited by the submitters: PubMed 27904971 (cited by 3 submitters); PubMed 31754459 (cited by Labcorp Genetics (formerly Invitae), Labcorp); PubMed 35013551 (cited by OMIM).

NM_021095.4(SLC5A6):c.280C>T (p.Arg94Ter)

Gene: SLC5A6 (solute carrier family 5 member 6; minus strand). Cytogenetic location: 2p23.3.
Variant type: single nucleotide variant.
Coding change: c.280C>T on transcript NM_021095.4 (MANE Select); coding-DNA position 280, C replaced by T.
Protein change: p.Arg94Ter; replaces arginine 94 with a stop codon.
Molecular consequence: nonsense. On other transcripts: non-coding transcript variant (1).
Genome position (GRCh38, 1-based): chr2:27,207,371, G>A on the plus strand (C>T on the coding strand, the complement: SLC5A6 is on the minus strand). VCF-style: chr2-27207371-G-A. GRCh37 (hg19) VCF-style: chr2-27430239-G-A.
Other names: R94*.
Identifiers: ClinVar variation 975023 (VCV000975023.8), dbSNP rs994218778, ClinGen allele CA44477563.